The following is an entry in ClinVar:

NM_000051.4(ATM):c.8728C>G (p.Leu2910Val)

Genes: ATM (ATM serine/threonine kinase; plus strand), C11orf65 (chromosome 11 open reading frame 65; minus strand). Cytogenetic location: 11q22.3.
Variant type: single nucleotide variant.
Coding change: c.8728C>G on transcript NM_000051.4 (MANE Select); coding-DNA position 8728, C replaced by G.
Protein change: p.Leu2910Val; replaces leucine 2910 with valine.
Molecular consequence: missense variant. On other transcripts: intron variant (2).
Genome position (GRCh38, 1-based): chr11:108,353,822, C>G. VCF-style: chr11-108353822-C-G. GRCh37 (hg19) VCF-style: chr11-108224549-C-G.
Other names: c.8728C>G, p.Leu2910Val (NM_001351834.2); c.640+32098G>C (NM_001330368.2); c.695-18530G>C (NM_001351110.2); short protein forms L2910V.
Identifiers: ClinVar variation 1764460 (VCV001764460.2), dbSNP rs1555142851, ClinGen allele CA382523893.

ClinVar aggregate classification (germline): Uncertain significance (1 of 4 stars; one submission).

Conditions:
Hereditary cancer-predisposing syndrome. Also called: Hereditary neoplastic syndrome; Neoplastic Syndromes, Hereditary; Tumor predisposition; Hereditary Cancer Syndrome. Identifiers: Orphanet 140162, MedGen C0027672, MeSH D009386, MONDO:0015356.

Submission:

Ambry Genetics
Classification: Uncertain significance for Hereditary cancer-predisposing syndrome. Last evaluated: 2021-10-01. Review status: criteria provided, single submitter. Criteria: Ambry Variant Classification Scheme 2023. Collection method: clinical testing. Allele origin: germline.
Comment: The p.L2910V variant (also known as c.8728C>G), located in coding exon 59 of the ATM gene, results from a C to G substitution at nucleotide position 8728. The leucine at codon 2910 is replaced by valine, an amino acid with highly similar properties. This amino acid position is conserved. In addition, this alteration is predicted to be deleterious by in silico analysis. Since supporting evidence is limited at this time, the clinical significance of this alteration remains unclear.